The following is an entry in ClinVar:

NM_025000.4(DCAF17):c.1127del (p.Ser376fs)

Gene: DCAF17 (DDB1 and CUL4 associated factor 17; plus strand). Cytogenetic location: 2q31.1.
Variant type: Deletion.
Coding change: c.1127del on transcript NM_025000.4 (MANE Select); coding-DNA position 1127, one base deleted (C; older notation c.1127delC).
Protein change: p.Ser376fs; shifts the reading frame from serine 376.
Molecular consequence: frameshift variant. On other transcripts: non-coding transcript variant (1), intron variant (1).
Genome position (GRCh38, 1-based): chr2:171,476,895, C deleted. VCF-style (leftmost placement, unchanged base first): chr2-171476894-TC-T. GRCh37 (hg19) VCF-style: chr2-172333404-TC-T.
Other names: c.982-1092del (NM_001164821.2); short protein forms S376fs.
Identifiers: ClinVar variation 2862216 (VCV002862216.3), dbSNP rs2529794802, ClinGen allele CA2739271637.

ClinVar aggregate classification (germline): Pathogenic (1 of 4 stars; one submission).

Conditions:
Woodhouse-Sakati syndrome. Also called: Hypogonadism, Alopecia, Diabetes Mellitus, Mental Retardation, and Extrapyramidal Syndrome; Hypogonadism, diabetes mellitus, alopecia, mental retardation and electrocardiographic abnormalities; EXTRAPYRAMIDAL DISORDER, PROGRESSIVE, WITH PRIMARY HYPOGONADISM, MENTAL RETARDATION, AND ALOPECIA. Identifiers: Orphanet 3464, MedGen C0342286, MONDO:0009419, OMIM 241080.

Submission:

Labcorp Genetics (formerly Invitae), Labcorp
Classification: Pathogenic for Woodhouse-Sakati syndrome. Last evaluated: 2023-05-22. Review status: criteria provided, single submitter. Criteria: Invitae Variant Classification Sherloc (09022015). Collection method: clinical testing. Allele origin: germline.
Comment: This variant is not present in population databases (gnomAD no frequency). This sequence change creates a premature translational stop signal (p.Ser376Phefs*33) in the DCAF17 gene. It is expected to result in an absent or disrupted protein product. Loss-of-function variants in DCAF17 are known to be pathogenic (PMID: 19026396, 20507343). This variant has not been reported in the literature in individuals affected with DCAF17-related conditions. Algorithms developed to predict the effect of sequence changes on RNA splicing suggest that this variant may disrupt the consensus splice site. For these reasons, this variant has been classified as Pathogenic.

Literature cited by the submitters: PubMed 19026396; PubMed 20507343.